The following is an entry in ClinVar:

ClinVar aggregate classification (germline): Conflicting classifications of pathogenicity. Review status: criteria provided, conflicting classifications (1 of 4 stars). 7 submissions from 7 submitters: Uncertain significance (4); Likely benign (1). 2 of the submissions do not count toward it. Last evaluated 2026-01-08.

Conditions:
Isolated growth hormone deficiency type IB (IGHD1B). Also called: IGHD 1B; IGHD IB. Identifiers: Orphanet 231671, Orphanet 631, MedGen C2748571, MONDO:0013006, OMIM 612781.

Allele frequency attached by ClinVar (database versions not stated): 1000 Genomes Project 30x 0.00016; 1000 Genomes Project 0.00020; ESP Exome Variant Server 0.00023; gnomAD 0.00044 and 0.00058; TOPMed 0.00060; gnomAD exomes 0.00067 and 0.00085; ExAC 0.00070.

Submissions (7):

Labcorp Genetics (formerly Invitae), Labcorp
Classification: Likely benign. Last evaluated: 2026-01-08. Review status: criteria provided, single submitter. Criteria: Invitae Variant Classification Sherloc (09022015). Collection method: clinical testing. Allele origin: germline.

Blueprint Genetics
Classification: Uncertain significance. Last evaluated: 2024-11-14. Review status: criteria provided, single submitter. Criteria: ACMG Guidelines, 2015. Collection method: clinical testing. Allele origin: germline.

Eurofins Ntd Llc (ga)
Classification: Uncertain significance. Last evaluated: 2018-04-05. Review status: criteria provided, single submitter. Criteria: EGL ClinVar v180209 classification definitions. Collection method: clinical testing. Allele origin: germline. Observed: 2 variant alleles, 2 heterozygotes.

Baylor Genetics
Classification: Uncertain significance for Isolated growth hormone deficiency type IB. Last evaluated: 2018-03-22. Review status: criteria provided, single submitter. Criteria: ACMG Guidelines, 2015. Collection method: clinical testing. Allele origin: paternal. Affected: yes.
Comment: This variant was determined to be of uncertain significance according to ACMG Guidelines, 2015 [PMID:25741868].

Illumina Laboratory Services, Illumina
Classification: Uncertain significance for Isolated growth hormone deficiency type IB. Last evaluated: 2017-04-27. Review status: criteria provided, single submitter. Criteria: ICSL Variant Classification Criteria 13 December 2019. Collection method: clinical testing. Allele origin: germline.
Comment: This variant was observed as part of a predisposition screen in an ostensibly healthy population. A literature search was performed for the gene, cDNA change, and amino acid change (where applicable). Publications were found based on this search. However, the evidence from the literature, in combination with allele frequency data from public databases where available, was not sufficient to rule this variant in or out of causing disease. Therefore, this variant is classified as a variant of unknown significance.

Clinical Genetics DNA and cytogenetics Diagnostics Lab, Erasmus MC, Erasmus Medical Center
Classification: Likely benign. Review status: no assertion criteria provided. Collection method: clinical testing. Allele origin: germline. Affected: yes. Study: VKGL Data-share Consensus. Not counted in ClinVar's aggregate classification.

Laboratory of Diagnostic Genome Analysis, Leiden University Medical Center (LUMC)
Classification: Likely benign. Review status: no assertion criteria provided. Collection method: clinical testing. Allele origin: germline. Affected: yes. Study: VKGL Data-share Consensus. Not counted in ClinVar's aggregate classification.

Literature cited by the submitters: PubMed 25541890 (cited by Illumina Laboratory Services, Illumina); PubMed 19622623 (cited by Illumina Laboratory Services, Illumina).

NM_000823.4(GHRHR):c.489C>T (p.Tyr163=)

Gene: GHRHR (growth hormone releasing hormone receptor; plus strand). Cytogenetic location: 7p14.3.
Variant type: single nucleotide variant.
Coding change: c.489C>T on transcript NM_000823.4 (MANE Select); coding-DNA position 489, C replaced by T.
Protein change: p.Tyr163=; no amino-acid change (tyrosine 163 retained).
Molecular consequence: synonymous variant.
Genome position (GRCh38, 1-based): chr7:30,971,987, C>T. VCF-style: chr7-30971987-C-T. GRCh37 (hg19) VCF-style: chr7-31011602-C-T.
Identifiers: ClinVar variation 198104 (VCV000198104.20), dbSNP rs147098353, ClinGen allele CA246601.